The following is an entry in ClinVar:

NM_001367624.2(ZNF469):c.9619G>A (p.Ala3207Thr)

Gene: ZNF469 (zinc finger protein 469; plus strand). Cytogenetic location: 16q24.2.
Variant type: single nucleotide variant.
Coding change: c.9619G>A on transcript NM_001367624.2 (MANE Select); coding-DNA position 9619, G replaced by A.
Protein change: p.Ala3207Thr; replaces alanine 3207 with threonine.
Molecular consequence: missense variant.
Genome position (GRCh38, 1-based): chr16:88,437,089, G>A. VCF-style: chr16-88437089-G-A. GRCh37 (hg19) VCF-style: chr16-88503497-G-A.
Other names: NM_001127464.1:c.9535G>A; short protein forms A3207T.
Identifiers: ClinVar variation 2626146 (VCV002626146.3), dbSNP rs985144507, ClinGen allele CA286385606.

ClinVar aggregate classification (germline): Uncertain significance. Review status: criteria provided, multiple submitters, no conflicts (2 of 4 stars). 2 submissions from 2 submitters: Uncertain significance (2). Last evaluated 2024-01-25.

Conditions:
Cardiovascular phenotype. Identifiers: MedGen CN230736.

Allele frequency attached by ClinVar (database versions not stated): gnomAD 0.00001; gnomAD exomes 0.00001; TOPMed 0.00001.
gnomAD v4.1: 19 of 1,544,744 alleles (0.0012%); highest among the groups gnomAD compares: Non-Finnish European, 0.0016%; no homozygotes.

Submissions (2):

Labcorp Genetics (formerly Invitae), Labcorp
Classification: Uncertain significance. Last evaluated: 2024-01-25. Review status: criteria provided, single submitter. Criteria: Invitae Variant Classification Sherloc (09022015). Collection method: clinical testing. Allele origin: germline.
Comment: This sequence change replaces alanine, which is neutral and non-polar, with threonine, which is neutral and polar, at codon 3179 of the ZNF469 protein (p.Ala3179Thr). This variant is not present in population databases (gnomAD no frequency). This variant has not been reported in the literature in individuals affected with ZNF469-related conditions. ClinVar contains an entry for this variant (Variation ID: 2626146). Algorithms developed to predict the effect of missense changes on protein structure and function output the following: SIFT: "Not Available"; PolyPhen-2: "Benign"; Align-GVGD: "Not Available". The threonine amino acid residue is found in multiple mammalian species, which suggests that this missense change does not adversely affect protein function. In summary, the available evidence is currently insufficient to determine the role of this variant in disease. Therefore, it has been classified as a Variant of Uncertain Significance.

Ambry Genetics
Classification: Uncertain significance for Cardiovascular phenotype. Last evaluated: 2023-09-14. Review status: criteria provided, single submitter. Criteria: Ambry Variant Classification Scheme 2023. Collection method: clinical testing. Allele origin: germline.
Comment: The p.A3179T variant (also known as c.9535G>A), located in coding exon 2 of the ZNF469 gene, results from a G to A substitution at nucleotide position 9535. The alanine at codon 3179 is replaced by threonine, an amino acid with similar properties. This amino acid position is not well conserved in available vertebrate species. In addition, this alteration is predicted to be tolerated by in silico analysis. Since supporting evidence is limited at this time, the clinical significance of this alteration remains unclear.